The following is an entry in ClinVar:

NM_004519.4(KCNQ3):c.777+1G>T

Gene: KCNQ3 (potassium voltage-gated channel subfamily Q member 3; minus strand). Cytogenetic location: 8q24.22.
Variant type: single nucleotide variant.
Coding change: c.777+1G>T on transcript NM_004519.4 (MANE Select); the canonical splice donor site of the intron after coding-DNA position 777, G replaced by T.
Molecular consequence: splice donor variant.
Genome position (GRCh38, 1-based): chr8:132,180,156, C>A on the plus strand (G>T on the coding strand, the complement: KCNQ3 is on the minus strand). VCF-style: chr8-132180156-C-A. GRCh37 (hg19) VCF-style: chr8-133192403-C-A.
Other names: c.417+1G>T (NM_001204824.2).
Identifiers: ClinVar variation 2757946 (VCV002757946.3), dbSNP rs2536952207, ClinGen allele CA372290644.

ClinVar aggregate classification (germline): Likely pathogenic (1 of 4 stars; one submission).

Conditions:
Benign neonatal seizures. Also called: Autosomal dominant form of benign neonatal seizures; Benign neonatal familial convulsions; Benign familial neonatal epilepsy; Benign familial neonatal seizures; Convulsions benign familial neonatal dominant form. Identifiers: Orphanet 1949, MedGen C0220669, MONDO:0016027.

Submission:

Labcorp Genetics (formerly Invitae), Labcorp
Classification: Likely pathogenic for Benign neonatal seizures. Last evaluated: 2023-09-04. Review status: criteria provided, single submitter. Criteria: Invitae Variant Classification Sherloc (09022015). Collection method: clinical testing. Allele origin: germline.
Comment: This sequence change affects a donor splice site in intron 4 of the KCNQ3 gene. It is expected to disrupt RNA splicing. Variants that disrupt the donor or acceptor splice site typically lead to a loss of protein function (PMID: 16199547), and loss-of-function variants in KCNQ3 are known to be pathogenic (PMID: 29383681, 29852413). This variant is not present in population databases (gnomAD no frequency). This variant has not been reported in the literature in individuals affected with KCNQ3-related conditions. Algorithms developed to predict the effect of sequence changes on RNA splicing suggest that this variant may disrupt the consensus splice site. In summary, the currently available evidence indicates that the variant is pathogenic, but additional data are needed to prove that conclusively. Therefore, this variant has been classified as Likely Pathogenic.

Literature cited by the submitters: PubMed 16199547; PubMed 29383681; PubMed 29852413.